The following is an entry in ClinVar:

NM_014806.5(RUSC2):c.2844C>T (p.Gly948=)

Gene: RUSC2 (RUN and SH3 domain containing 2; plus strand). Cytogenetic location: 9p13.3.
Variant type: single nucleotide variant.
Coding change: c.2844C>T on transcript NM_014806.5 (MANE Select); coding-DNA position 2844, C replaced by T.
Protein change: p.Gly948=; no amino-acid change (glycine 948 retained).
Molecular consequence: synonymous variant. On other transcripts: non-coding transcript variant (1).
Genome position (GRCh38, 1-based): chr9:35,556,309, C>T. VCF-style: chr9-35556309-C-T. GRCh37 (hg19) VCF-style: chr9-35556306-C-T.
Other names: c.2844C>T, p.Gly948= (NM_001135999.2); c.210C>T, p.Gly70= (NM_001330740.2); c.2844C>T (NM_001135999.1).
Identifiers: ClinVar variation 1594898 (VCV001594898.28), dbSNP rs200035921, ClinGen allele CA5043989.

ClinVar aggregate classification (germline): Likely benign. Review status: criteria provided, multiple submitters, no conflicts (2 of 4 stars). 4 submissions from 4 submitters: Likely benign (3). 1 of the submissions does not count toward it. Last evaluated 2025-12-16.

Conditions:
RUSC2-related disorder. Also called: RUSC2-related condition.

Allele frequency attached by ClinVar (database versions not stated): gnomAD 0.00004 and 0.00012; TOPMed 0.00005; gnomAD exomes 0.00014 and 0.00019; ExAC 0.00021; 1000 Genomes Project 30x 0.00031; 1000 Genomes Project 0.00040.
gnomAD v4.1: 229 of 1,613,932 alleles (0.014%); highest among the groups gnomAD compares: South Asian, 0.17%; 4 homozygotes.

Submissions (4):

Labcorp Genetics (formerly Invitae), Labcorp
Classification: Likely benign. Last evaluated: 2025-12-16. Review status: criteria provided, single submitter. Criteria: Invitae Variant Classification Sherloc (09022015). Collection method: clinical testing. Allele origin: germline.

CeGaT Center for Human Genetics Tuebingen
Classification: Likely benign. Last evaluated: 2025-04-01. Review status: criteria provided, single submitter. Criteria: CeGaT Center For Human Genetics Tuebingen Variant Classification Criteria Version 2. Collection method: clinical testing. Allele origin: germline. Affected: yes. Observed: 2 variant alleles.
Comment: RUSC2: BP4, BP7

Breakthrough Genomics
Classification: Likely benign. Review status: criteria provided, single submitter. Criteria: ACMG Guidelines, 2015. Collection method: not provided. Allele origin: germline. Inheritance: Autosomal recessive inheritance. Affected: yes.

PreventionGenetics, part of Exact Sciences
Classification: Likely benign for RUSC2-related condition. Last evaluated: 2019-11-27. Review status: no assertion criteria provided. Collection method: clinical testing. Allele origin: germline. Not counted in ClinVar's aggregate classification.
Comment: This variant is classified as likely benign based on ACMG/AMP sequence variant interpretation guidelines (Richards et al. 2015 PMID: 25741868, with internal and published modifications).